The following is an entry in ClinVar:

NM_000368.5(TSC1):c.2649del (p.Tyr884fs)

Gene: TSC1 (TSC complex subunit 1; minus strand). Cytogenetic location: 9q34.13.
Variant type: Deletion.
Coding change: c.2649del on transcript NM_000368.5 (MANE Select); coding-DNA position 2649, one base deleted (C; older notation c.2649delC).
Protein change: p.Tyr884fs; shifts the reading frame from tyrosine 884.
Molecular consequence: frameshift variant.
Genome position (GRCh38, 1-based): chr9:132,897,587, G deleted on the plus strand (C on the coding strand, the reverse complement: TSC1 is on the minus strand); the first of 2 consecutive G bases (chr9:132,897,587-132,897,588); deleting either gives the same sequence. VCF-style (leftmost placement, unchanged base first): chr9-132897586-AG-A. GRCh37 (hg19) VCF-style: chr9-135772973-AG-A.
Other names: c.2646del, p.Tyr883fs (NM_001162426.2); c.2496del, p.Tyr833fs (NM_001162427.2); c.2286del, p.Tyr763fs (NM_001362177.2); c.2648delC, p.Tyr884Ilefs (NM_001406592.1, NM_001406593.1, NM_001406594.1 and 2 more transcripts); c.2645delC, p.Tyr883Ilefs (NM_001406597.1, NM_001406598.1, NM_001406599.1 and 1 more transcripts); c.2633delC, p.Tyr879Ilefs (NM_001406601.1, NM_001406602.1); c.2630delC, p.Tyr878Ilefs (NM_001406603.1, NM_001406604.1); c.2606delC, p.Tyr870Ilefs (NM_001406605.1, NM_001406606.1, NM_001406607.1); and 11 more; short protein forms Y763fs, Y833fs, Y883fs, Y884fs.
Identifiers: ClinVar variation 1998063 (VCV001998063.4), dbSNP rs2538498222, ClinGen allele CA2580080116.

ClinVar aggregate classification (germline): Pathogenic (1 of 4 stars; one submission).

Conditions:
Tuberous sclerosis 1 (TSC1). Identifiers: Orphanet 805, MedGen C1854465, MONDO:0008612, OMIM 191100.

Submission:

Labcorp Genetics (formerly Invitae), Labcorp
Classification: Pathogenic for Tuberous sclerosis 1. Last evaluated: 2022-05-22. Review status: criteria provided, single submitter. Criteria: Invitae Variant Classification Sherloc (09022015). Collection method: clinical testing. Allele origin: germline.
Comment: For these reasons, this variant has been classified as Pathogenic. This variant has not been reported in the literature in individuals affected with TSC1-related conditions. This variant is not present in population databases (gnomAD no frequency). This sequence change creates a premature translational stop signal (p.Tyr884Ilefs*5) in the TSC1 gene. It is expected to result in an absent or disrupted protein product. Loss-of-function variants in TSC1 are known to be pathogenic (PMID: 10227394, 17304050).

Literature cited by the submitters: PubMed 10227394; PubMed 17304050.